The following is an entry in ClinVar:

NM_014679.5(CEP57):c.131C>T (p.Pro44Leu)

Gene: CEP57 (centrosomal protein 57; plus strand). Cytogenetic location: 11q21.
Variant type: single nucleotide variant.
Coding change: c.131C>T on transcript NM_014679.5 (MANE Select); coding-DNA position 131, C replaced by T.
Protein change: p.Pro44Leu; replaces proline 44 with leucine.
Molecular consequence: missense variant.
Genome position (GRCh38, 1-based): chr11:95,799,317, C>T. VCF-style: chr11-95799317-C-T. GRCh37 (hg19) VCF-style: chr11-95532481-C-T.
Other names: c.104C>T, p.Pro35Leu (NM_001243776.2); c.131C>T, p.Pro44Leu (NM_001243777.2); c.50C>T, p.Pro17Leu (NM_001363604.2); c.131C>T (NM_014679.4); short protein forms P17L, P44L, P35L.
Identifiers: ClinVar variation 1403269 (VCV001403269.7), dbSNP rs2135259624, ClinGen allele CA382415732.

ClinVar aggregate classification (germline): Uncertain significance. Review status: criteria provided, multiple submitters, no conflicts (2 of 4 stars). 2 submissions from 2 submitters: Uncertain significance (2). Last evaluated 2025-03-22.

Conditions:
Inborn genetic diseases. Identifiers: MedGen C0950123, MeSH D030342.
Mosaic variegated aneuploidy syndrome 2 (MVA2). Identifiers: Orphanet 1052, MedGen C3279843, MONDO:0013582, OMIM 614114.

Allele frequency attached by ClinVar (database versions not stated): gnomAD exomes below 0.00001.
gnomAD v4.1: 3 of 1,614,100 alleles (0.00019%); highest among the groups gnomAD compares: South Asian, 0.0011%; no homozygotes.

Submissions (2):

Ambry Genetics
Classification: Uncertain significance for Inborn genetic diseases. Last evaluated: 2025-03-22. Review status: criteria provided, single submitter. Criteria: Ambry Variant Classification Scheme 2023. Collection method: clinical testing. Allele origin: germline.
Comment: The p.P44L variant (also known as c.131C>T), located in coding exon 2 of the CEP57 gene, results from a C to T substitution at nucleotide position 131. The proline at codon 44 is replaced by leucine, an amino acid with similar properties. This amino acid position is conserved. In addition, the in silico prediction for this alteration is inconclusive. Based on the available evidence, the clinical significance of this variant remains unclear.

Labcorp Genetics (formerly Invitae), Labcorp
Classification: Uncertain significance for Mosaic variegated aneuploidy syndrome 2. Last evaluated: 2021-09-01. Review status: criteria provided, single submitter. Criteria: Invitae Variant Classification Sherloc (09022015). Collection method: clinical testing. Allele origin: germline.
Comment: This sequence change replaces proline with leucine at codon 44 of the CEP57 protein (p.Pro44Leu). The proline residue is highly conserved and there is a moderate physicochemical difference between proline and leucine. This variant is not present in population databases (ExAC no frequency). This variant has not been reported in the literature in individuals affected with CEP57-related conditions. Algorithms developed to predict the effect of missense changes on protein structure and function are either unavailable or do not agree on the potential impact of this missense change (SIFT: "Deleterious"; PolyPhen-2: "Probably Damaging"; Align-GVGD: "Class C0"). In summary, the available evidence is currently insufficient to determine the role of this variant in disease. Therefore, it has been classified as a Variant of Uncertain Significance.